The following is an entry in ClinVar:

NM_000051.4(ATM):c.4804_4805del (p.Val1602fs)

Gene: ATM (ATM serine/threonine kinase; plus strand). Cytogenetic location: 11q22.3.
Variant type: Microsatellite.
Coding change: c.4804_4805del on transcript NM_000051.4 (MANE Select); coding-DNA positions 4804 to 4805, 2 bases deleted (GT; older notation c.4804_4805delGT).
Protein change: p.Val1602fs; shifts the reading frame from valine 1602.
Molecular consequence: frameshift variant.
Genome position (GRCh38, 1-based): chr11:108,294,954-108,294,955, GT deleted; deleting any 2 consecutive bases within chr11:108,294,952-108,294,955 gives the same sequence; the c. name uses the placement nearest the transcript's 3' end. VCF-style (leftmost placement, unchanged base first): chr11-108294951-AGT-A. GRCh37 (hg19) VCF-style: chr11-108165678-AGT-A.
Other names: c.4804_4805delGT (NM_000051.3); c.4804_4805del, p.Val1602fs (NM_001351834.2); short protein forms V1602fs.
Identifiers: ClinVar variation 219873 (VCV000219873.25), dbSNP rs864622290, ClinGen allele CA349880.

ClinVar aggregate classification (germline): Pathogenic/Likely pathogenic. Review status: criteria provided, multiple submitters, no conflicts (2 of 4 stars). 10 submissions from 10 submitters: Pathogenic (6); Likely pathogenic (4). Last evaluated 2025-08-26.

Conditions:
Hereditary cancer-predisposing syndrome. Also called: Tumor predisposition; Neoplastic Syndromes, Hereditary; Hereditary Cancer Syndrome; Hereditary neoplastic syndrome. Identifiers: Orphanet 140162, MedGen C0027672, MeSH D009386, MONDO:0015356.
Familial cancer of breast. Also called: hereditary breast carcinoma; Hereditary breast cancer; BREAST CANCER, FAMILIAL. Identifiers: Orphanet 227535, MedGen C0346153, MONDO:0016419, OMIM 114480. Disease mechanism: loss of function.
Ataxia-telangiectasia syndrome (AT). Also called: Ataxia telangiectasia (A-T); Cerebello-oculocutaneous telangiectasia; Immunodeficiency with ataxia telangiectasia; ATAXIA-TELANGIECTASIA, COMPLEMENTATION GROUP A; ATAXIA-TELANGIECTASIA, FRESNO VARIANT; Ataxia-telangiectasia. Identifiers: Orphanet 100, MedGen C0004135, MONDO:0008840, OMIM 208900.
ATM-related disorder. Also called: ATM-related disorders; ATM-related condition.

Submissions (10):

Natera, Inc.
Classification: Likely pathogenic for Ataxia-telangiectasia. Last evaluated: 2025-08-26. Review status: criteria provided, single submitter. Criteria: Natera Variant Classification Schema (03/2026). Collection method: clinical testing. Allele origin: germline.
Comment: The c.4804_4805delGT variant in ATM is a frameshift variant predicted to shift the reading frame beginning at codon 1602 and leads to a stop codon 2 codons downstream. This variant is expected to result in nonsense mediated decay, truncation, or a dysfunctional protein product. This variant is rare in the general population with a frequency below the threshold expected for the associated phenotype(s). Given the available evidence, this variant is classified as Likely Pathogenic.

Labcorp Genetics (formerly Invitae), Labcorp
Classification: Pathogenic for Ataxia-telangiectasia syndrome. Last evaluated: 2025-08-25. Review status: criteria provided, single submitter. Criteria: Invitae Variant Classification Sherloc (09022015). Collection method: clinical testing. Allele origin: germline.
Comment: This sequence change creates a premature translational stop signal (p.Val1602Leufs*2) in the ATM gene. It is expected to result in an absent or disrupted protein product. Loss-of-function variants in ATM are known to be pathogenic (PMID: 23807571, 25614872). This variant is present in population databases (no rsID available, gnomAD 0.01%). This variant has not been reported in the literature in individuals affected with ATM-related conditions. ClinVar contains an entry for this variant (Variation ID: 219873). For these reasons, this variant has been classified as Pathogenic.

Ambry Genetics
Classification: Pathogenic for Hereditary cancer-predisposing syndrome. Last evaluated: 2024-11-01. Review status: criteria provided, single submitter. Criteria: Ambry Variant Classification Scheme 2023. Collection method: clinical testing. Allele origin: germline.
Comment: The c.4804_4805delGT pathogenic mutation, located in coding exon 31 of the ATM gene, results from a deletion of two nucleotides at nucleotide positions 4804 to 4805, causing a translational frameshift with a predicted alternate stop codon (p.V1602Lfs*2). This alteration is expected to result in loss of function by premature protein truncation or nonsense-mediated mRNA decay. As such, this alteration is interpreted as a disease-causing mutation.

Myriad Genetics, Inc.
Classification: Pathogenic for Familial cancer of breast. Last evaluated: 2024-01-24. Review status: criteria provided, single submitter. Criteria: Myriad Autosomal Dominant, Autosomal Recessive and X-Linked Classification Criteria (2023). Collection method: clinical testing. Allele origin: unknown.
Comment: This variant is considered pathogenic. This variant creates a frameshift predicted to result in premature protein truncation.

Baylor Genetics
Classification: Likely pathogenic for Familial cancer of breast. Last evaluated: 2023-11-15. Review status: criteria provided, single submitter. Criteria: ACMG Guidelines, 2015. Collection method: clinical testing. Allele origin: unknown.

Greenwood Genetic Center Diagnostic Laboratories, Greenwood Genetic Center
Classification: Likely pathogenic for ATM-related disorder. Last evaluated: 2023-02-07. Review status: criteria provided, single submitter. Criteria: ACMG Guidelines, 2015. Collection method: clinical testing. Allele origin: germline. Affected: yes.
Comment: PVS1, PM2

GeneDx
Classification: Pathogenic. Last evaluated: 2022-08-15. Review status: criteria provided, single submitter. Criteria: GeneDx Variant Classification Process June 2021. Collection method: clinical testing. Allele origin: germline. Affected: yes.
Comment: Frameshift variant predicted to result in protein truncation or nonsense mediated decay in a gene for which loss-of-function is a known mechanism of disease; Not observed at significant frequency in large population cohorts (gnomAD); Observed in individuals with breast cancer in published literature (Lu et al., 2019; Palmer et al., 2020; Haverfield et al., 2021); This variant is associated with the following publications: (PMID: 34404389, 30128536, 32427313)

Fulgent Genetics
Classification: Pathogenic for Familial cancer of breast; Ataxia-telangiectasia syndrome. Last evaluated: 2022-03-31. Review status: criteria provided, single submitter. Criteria: ACMG Guidelines, 2015. Collection method: clinical testing. Allele origin: unknown.

Women's Health and Genetics/Laboratory Corporation of America, LabCorp
Classification: Pathogenic for Ataxia-telangiectasia syndrome. Last evaluated: 2022-01-02. Review status: criteria provided, single submitter. Criteria: LabCorp Variant Classification Summary - May 2015. Collection method: clinical testing. Allele origin: germline.
Comment: Variant summary: ATM c.4804_4805delGT (p.Val1602LeufsX2) results in a premature termination codon, predicted to cause a truncation of the encoded protein or absence of the protein due to nonsense mediated decay, which are commonly known mechanisms for disease. Truncations downstream of this position have been classified as pathogenic by our laboratory and reported with an associated phenotype of Ataxia Telangiectasia in the HGMD database. The variant was absent in 251276 control chromosomes. To our knowledge, c.4804_4805delGT has not been reported in the literature in individuals affected with Ataxia-Telangiectasia, but has been reported in the literature as a pathogenic variant identified in individuals with breast cancer and within a multi center cohort study of physician-directed genetic screening to evaluate personal risk for medically actionable disorders (example, Lu_2019, Palmer_2020, Haverfield_2021). These data indicate that the variant may be associated with disease. To our knowledge, no experimental evidence demonstrating an impact on protein function has been reported. Three clinical diagnostic laboratories have submitted clinical-significance assessments for this variant to ClinVar after 2014 without evidence for independent evaluation. All laboratories classified the variant as pathogenic. Based on the evidence outlined above, the variant was classified as pathogenic.

Blueprint Genetics
Classification: Likely pathogenic for ATM-related disorders. Last evaluated: 2021-10-27. Review status: criteria provided, single submitter. Criteria: ACMG Guidelines, 2015. Collection method: clinical testing. Allele origin: germline. Affected: yes. Observed: 1 variant allele.

Literature cited by the submitters: PubMed 23807571 (cited by Labcorp Genetics (formerly Invitae), Labcorp); PubMed 25614872 (cited by Labcorp Genetics (formerly Invitae), Labcorp); PubMed 30128536 (cited by Women's Health and Genetics/Laboratory Corporation of America, LabCorp); PubMed 34404389 (cited by Women's Health and Genetics/Laboratory Corporation of America, LabCorp); PubMed 32427313 (cited by Women's Health and Genetics/Laboratory Corporation of America, LabCorp).